The following is an entry in ClinVar:

NM_001365276.2(TNXB):c.4682-2A>G

Gene: TNXB (tenascin XB; minus strand). Cytogenetic location: 6p21.33.
Variant type: single nucleotide variant.
Coding change: c.4682-2A>G on transcript NM_001365276.2 (MANE Select); the canonical splice acceptor site of the intron before coding-DNA position 4682, A replaced by G.
Molecular consequence: splice acceptor variant.
Genome position (GRCh38, 1-based): chr6:32,072,300, T>C on the plus strand (A>G on the coding strand, the complement: TNXB is on the minus strand). VCF-style: chr6-32072300-T-C. GRCh37 (hg19) VCF-style: chr6-32040077-T-C.
Other names: c.4682-2A>G (NM_019105.8); c.5423-2A>G (NM_001428335.1).
Identifiers: ClinVar variation 5004861 (VCV005004861.1).

ClinVar aggregate classification (germline): Uncertain significance (1 of 4 stars; one submission).

Conditions:
Ehlers-Danlos syndrome due to tenascin-X deficiency (EDSCLL1). Also called: EHLERS-DANLOS SYNDROME, CLASSIC-LIKE; Ehlers-Danlos syndrome, classic-like, 1; EDS DUE TO TNX DEFICIENCY; TNX DEFICIENCY; TNXB-Related Classical-Like Ehlers-Danlos Syndrome. Identifiers: Orphanet 230839, MedGen C1848029, MONDO:0011670, OMIM 606408.

gnomAD v4.1: 1 of 1,590,324 alleles (0.000063%); highest among the groups gnomAD compares: Non-Finnish European, 0.000086%; no homozygotes.

Submission:

Myriad Genetics, Inc.
Classification: Uncertain significance for Ehlers-Danlos syndrome due to tenascin-X deficiency. Last evaluated: 2026-08-21. Review status: criteria provided, single submitter. Criteria: Myriad Autosomal Dominant, Autosomal Recessive and X-Linked Classification Criteria (2023). Collection method: clinical testing. Allele origin: unknown.
Comment: NM_019105.6(TNXB):c.4682-2A>G is a variant in a canonical splice site classified as a variant of uncertain significance in the context of classical-like Ehlers-Danlos syndrome, TNXB-related. c.4682-2A>G has not been observed in cases with relevant disease. Relevant functional assessments of this variant are not available in the literature. c.4682-2A>G has not been observed in referenced population frequency databases. In summary, there is insufficient evidence to classify NM_019105.6(TNXB):c.4682-2A>G as pathogenic or benign. Please note: this variant was assessed in the context of healthy population screening.